The following is an entry in ClinVar:

ClinVar aggregate classification (germline): Uncertain significance. Review status: criteria provided, multiple submitters, no conflicts (2 of 4 stars). 2 submissions from 2 submitters: Uncertain significance (2). Last evaluated 2025-11-16.

Allele frequency attached by ClinVar (database versions not stated): TOPMed 0.00001; ESP Exome Variant Server 0.00008; gnomAD exomes below 0.00001; ExAC 0.00001; gnomAD 0.00003.
gnomAD v4.1: 6 of 1,614,058 alleles (0.00037%); highest among the groups gnomAD compares: African/African-American, 0.0067%; no homozygotes.

Submissions (2):

Labcorp Genetics (formerly Invitae), Labcorp
Classification: Uncertain significance. Last evaluated: 2025-11-16. Review status: criteria provided, single submitter. Criteria: Invitae Variant Classification Sherloc (09022015). Collection method: clinical testing. Allele origin: germline.
Comment: This sequence change replaces histidine, which is basic and polar, with arginine, which is basic and polar, at codon 578 of the TET2 protein (p.His578Arg). This variant is present in population databases (rs373355753, gnomAD 0.01%). This variant has not been reported in the literature in individuals affected with TET2-related conditions. ClinVar contains an entry for this variant (Variation ID: 2994515). An algorithm developed to predict the effect of missense changes on protein structure and function (PolyPhen-2) suggests that this variant is likely to be tolerated. In summary, the available evidence is currently insufficient to determine the role of this variant in disease. Therefore, it has been classified as a Variant of Uncertain Significance.

Ambry Genetics
Classification: Uncertain significance. Last evaluated: 2025-04-24. Review status: criteria provided, single submitter. Criteria: Ambry Variant Classification Scheme 2023. Collection method: clinical testing. Allele origin: germline.
Comment: The p.H578R variant (also known as c.1733A>G), located in coding exon 1 of the TET2 gene, results from an A to G substitution at nucleotide position 1733. The histidine at codon 578 is replaced by arginine, an amino acid with highly similar properties. This amino acid position is conserved. In addition, this alteration is predicted to be tolerated by in silico analysis. Based on the available evidence, the clinical significance of this variant remains unclear.

NM_001127208.3(TET2):c.1733A>G (p.His578Arg)

Genes: TET2 (tet methylcytosine dioxygenase 2; plus strand), TET2-AS1 (TET2 antisense RNA 1; minus strand). Cytogenetic location: 4q24.
Variant type: single nucleotide variant.
Coding change: c.1733A>G on transcript NM_001127208.3 (MANE Select); coding-DNA position 1733, A replaced by G.
Protein change: p.His578Arg; replaces histidine 578 with arginine.
Molecular consequence: missense variant.
Genome position (GRCh38, 1-based): chr4:105,235,675, A>G. VCF-style: chr4-105235675-A-G. GRCh37 (hg19) VCF-style: chr4-106156832-A-G.
Other names: c.1733A>G, p.His578Arg (NM_017628.4); short protein forms H578R.
Identifiers: ClinVar variation 2994515 (VCV002994515.4), dbSNP rs373355753, ClinGen allele CA3031749.